The following is an entry in ClinVar:

ClinVar aggregate classification (germline): Uncertain significance (1 of 4 stars; one submission).

Submission:

Women's Health and Genetics/Laboratory Corporation of America, LabCorp
Classification: Uncertain significance. Last evaluated: 2025-02-03. Review status: criteria provided, single submitter. Criteria: LabCorp Variant Classification Summary - May 2015. Collection method: clinical testing. Allele origin: germline.
Comment: Variant summary: IDS c.344A>G (p.Asn115Ser) results in a conservative amino acid change located in the iduronate-2-sulfatase domain (IPR035874) of the encoded protein sequence. Four of five in-silico tools predict a damaging effect of the variant on protein function. The variant was absent in 127760 control chromosomes. The available data on variant occurrences in the general population are insufficient to allow any conclusion about variant significance. To our knowledge, no occurrence of c.344A>G in individuals affected with Mucopolysaccharidosis Type II (Hunter Syndrome) and no experimental evidence demonstrating its impact on protein function have been reported. No submitters have cited clinical-significance assessments for this variant to ClinVar. Based on the evidence outlined above, the variant was classified as uncertain significance.

NM_000202.8(IDS):c.344A>G (p.Asn115Ser)

Gene: IDS (iduronate 2-sulfatase; minus strand). Cytogenetic location: Xq28.
Variant type: single nucleotide variant.
Coding change: c.344A>G on transcript NM_000202.8 (MANE Select); coding-DNA position 344, A replaced by G.
Protein change: p.Asn115Ser; replaces asparagine 115 with serine.
Molecular consequence: missense variant. On other transcripts: non-coding transcript variant (1).
Genome position (GRCh38, 1-based): chrX:149,503,386, T>C on the plus strand (A>G on the coding strand, the complement: IDS is on the minus strand). VCF-style: chrX-149503386-T-C. GRCh37 (hg19) VCF-style: chrX-148584916-T-C.
Other names: c.74A>G, p.Asn25Ser (NM_001166550.4); c.344A>G, p.Asn115Ser (NM_006123.5); short protein forms N115S, N25S.
Identifiers: ClinVar variation 3768797 (VCV003768797.1).
Genomic context (GRCh38, chrX:149,503,386, plus strand): 5'-TTTCCCACCGACATGGTCACATAGCCATTCTCCTTGAAGTACTGGGGGATGGTGGAGAAG[T>C]TTCCAGCGTGCACCCTCCAGTAGGAGTTGAAGTCGTACAGGCGGGTGGTGTCAGGTCTCC-3'
Protein context (NP_000193.1, residues 105-125): FNSYWRVHAG[Asn115Ser]FSTIPQYFKE